The following is an entry in ClinVar:

NM_170665.4(ATP2A2):c.1323A>G (p.Thr441=)

Gene: ATP2A2 (ATPase sarcoplasmic/endoplasmic reticulum Ca2+ transporting 2; plus strand). Cytogenetic location: 12q24.11.
Variant type: single nucleotide variant.
Coding change: c.1323A>G on transcript NM_170665.4 (MANE Select); coding-DNA position 1323, A replaced by G.
Protein change: p.Thr441=; no amino-acid change (threonine 441 retained).
Molecular consequence: synonymous variant.
Genome position (GRCh38, 1-based): chr12:110,334,047, A>G. VCF-style: chr12-110334047-A-G. GRCh37 (hg19) VCF-style: chr12-110771852-A-G.
Other names: c.1323A>G, p.Thr441= (NM_001681.4).
Identifiers: ClinVar variation 307171 (VCV000307171.16), dbSNP rs148550709, ClinGen allele CA6783877.

ClinVar aggregate classification (germline): Benign/Likely benign. Review status: criteria provided, multiple submitters, no conflicts (2 of 4 stars). 6 submissions from 5 submitters: Benign (5); Likely benign (1). Last evaluated 2026-01-12.

Conditions:
Acrokeratosis verruciformis of Hopf (AKV). Also called: Acrokeratosis verruciformis; HOPF DISEASE. Identifiers: Orphanet 79151, MedGen C0265971, MONDO:0007048, OMIM 101900.
Keratosis follicularis (DAR). Also called: Darier disease; Darier's disease. Identifiers: Orphanet 218, MedGen C0022595, MONDO:0007417, OMIM 124200.

Allele frequency attached by ClinVar (database versions not stated): gnomAD exomes 0.00019 and 0.00051; ExAC 0.00052; ESP Exome Variant Server 0.00123; 1000 Genomes Project 30x 0.00125; 1000 Genomes Project 0.00140; gnomAD 0.00183 and 0.00196; TOPMed 0.00211.
gnomAD v4.1: 575 of 1,614,200 alleles (0.036%); highest among the groups gnomAD compares: African/African-American, 0.66%; 2 homozygotes.

Submissions (6):

Labcorp Genetics (formerly Invitae), Labcorp
Classification: Benign. Last evaluated: 2026-01-12. Review status: criteria provided, single submitter. Criteria: Invitae Variant Classification Sherloc (09022015). Collection method: clinical testing. Allele origin: germline.

Blueprint Genetics
Classification: Likely benign. Last evaluated: 2024-11-25. Review status: criteria provided, single submitter. Criteria: ACMG Guidelines, 2015. Collection method: clinical testing. Allele origin: germline.

Genome-Nilou Lab
Classification: Benign for Acrokeratosis verruciformis of Hopf. Last evaluated: 2021-12-05. Review status: criteria provided, single submitter. Criteria: ACMG Guidelines, 2015. Collection method: clinical testing. Allele origin: germline. Affected: no.

Genome-Nilou Lab
Classification: Benign for Keratosis follicularis. Last evaluated: 2021-12-05. Review status: criteria provided, single submitter. Criteria: ACMG Guidelines, 2015. Collection method: clinical testing. Allele origin: germline. Affected: no.

Illumina Laboratory Services, Illumina
Classification: Benign for Keratosis follicularis. Last evaluated: 2018-01-12. Review status: criteria provided, single submitter. Criteria: ICSL Variant Classification Criteria 13 December 2019. Collection method: clinical testing. Allele origin: germline.
Comment: This variant was observed in the ICSL laboratory as part of a predisposition screen in an ostensibly healthy population. It had not been previously curated by ICSL or reported in the Human Gene Mutation Database (HGMD: prior to June 1st, 2018), and was therefore a candidate for classification through an automated scoring system. Utilizing variant allele frequency, disease prevalence and penetrance estimates, and inheritance mode, an automated score was calculated to assess if this variant is too frequent to cause the disease. Based on the score and internal cut-off values, a variant classified as benign is not then subjected to further curation. The score for this variant resulted in a classification of benign for this disease.

Breakthrough Genomics
Classification: Benign. Review status: criteria provided, single submitter. Criteria: ACMG Guidelines, 2015. Collection method: not provided. Allele origin: germline. Inheritance: Autosomal dominant inheritance. Affected: yes.